The following is an entry in ClinVar:

ClinVar aggregate classification (germline): Likely benign (1 of 4 stars; one submission).

Allele frequency attached by ClinVar (database versions not stated): ExAC 0.00001; gnomAD 0.00001; gnomAD exomes 0.00001; TOPMed 0.00002.
gnomAD v4.1: 17 of 1,613,984 alleles (0.0011%); highest among the groups gnomAD compares: Middle Eastern, 0.016%; no homozygotes.

Submission:

CeGaT Center for Human Genetics Tuebingen
Classification: Likely benign. Last evaluated: 2022-05-01. Review status: criteria provided, single submitter. Criteria: CeGaT Center For Human Genetics Tuebingen Variant Classification Criteria Version 2. Collection method: clinical testing. Allele origin: germline. Affected: yes. Observed: 1 variant allele.
Comment: EMC3: BP4, BP7

NM_001394674.1(EMC3):c.744C>T (p.Phe248=)

Gene: EMC3 (ER membrane protein complex subunit 3; minus strand). Cytogenetic location: 3p25.3.
Variant type: single nucleotide variant.
Coding change: c.744C>T on transcript NM_001394674.1 (MANE Select); coding-DNA position 744, C replaced by T.
Protein change: p.Phe248=; no amino-acid change (phenylalanine 248 retained).
Molecular consequence: synonymous variant.
Genome position (GRCh38, 1-based): chr3:9,964,111, G>A on the plus strand (C>T on the coding strand, the complement: EMC3 is on the minus strand). VCF-style: chr3-9964111-G-A. GRCh37 (hg19) VCF-style: chr3-10005795-G-A.
Other names: c.744C>T, p.Phe248= (NM_018447.4).
Identifiers: ClinVar variation 2653506 (VCV002653506.24), dbSNP rs769523238, ClinGen allele CA2248653.